The following is an entry in ClinVar:

NM_001365480.1(CCDC88A):c.1656+5A>G

Gene: CCDC88A (coiled-coil and HOOK domain protein 88A; minus strand). Cytogenetic location: 2p16.1.
Variant type: single nucleotide variant.
Coding change: c.1656+5A>G on transcript NM_001365480.1 (MANE Select); 5 bases into the intron after coding-DNA position 1656, A replaced by G.
Molecular consequence: intron variant.
Genome position (GRCh38, 1-based): chr2:55,336,676, T>C on the plus strand (A>G on the coding strand, the complement: CCDC88A is on the minus strand). VCF-style: chr2-55336676-T-C. GRCh37 (hg19) VCF-style: chr2-55563812-T-C.
Other names: c.1656+5A>G (NM_001254943.2, NM_001135597.2, NM_018084.5).
Identifiers: ClinVar variation 2003074 (VCV002003074.4), dbSNP rs1394417280, ClinGen allele CA532786125.

ClinVar aggregate classification (germline): Uncertain significance (1 of 4 stars; one submission).

Allele frequency attached by ClinVar (database versions not stated): gnomAD exomes below 0.00001.

Submission:

Labcorp Genetics (formerly Invitae), Labcorp
Classification: Uncertain significance. Last evaluated: 2022-07-15. Review status: criteria provided, single submitter. Criteria: Invitae Variant Classification Sherloc (09022015). Collection method: clinical testing. Allele origin: germline.
Comment: In summary, the available evidence is currently insufficient to determine the role of this variant in disease. Therefore, it has been classified as a Variant of Uncertain Significance. Variants that disrupt the consensus splice site are a relatively common cause of aberrant splicing (PMID: 17576681, 9536098). Algorithms developed to predict the effect of sequence changes on RNA splicing suggest that this variant is not likely to affect RNA splicing. This variant has not been reported in the literature in individuals affected with CCDC88A-related conditions. This variant is not present in population databases (gnomAD no frequency). This sequence change falls in intron 14 of the CCDC88A gene. It does not directly change the encoded amino acid sequence of the CCDC88A protein. It affects a nucleotide within the consensus splice site.

Literature cited by the submitters: PubMed 17576681; PubMed 9536098.